The following is an entry in ClinVar:

NM_012082.4(ZFPM2):c.1318A>G (p.Lys440Glu)

Genes: ZFPM2 (zinc finger protein, FOG family member 2; plus strand), ZFPM2-AS1 (ZFPM2 antisense RNA 1; minus strand). Cytogenetic location: 8q23.1.
Variant type: single nucleotide variant.
Coding change: c.1318A>G on transcript NM_012082.4 (MANE Select); coding-DNA position 1318, A replaced by G.
Protein change: p.Lys440Glu; replaces lysine 440 with glutamic acid.
Molecular consequence: missense variant.
Genome position (GRCh38, 1-based): chr8:105,801,400, A>G. VCF-style: chr8-105801400-A-G. GRCh37 (hg19) VCF-style: chr8-106813628-A-G.
Other names: c.1159A>G, p.Lys387Glu (NM_001362836.2); c.922A>G, p.Lys308Glu (NM_001362837.2); short protein forms K440E, K308E, K387E.
Identifiers: ClinVar variation 560631 (VCV000560631.8), dbSNP rs200311467, ClinGen allele CA4839740.

ClinVar aggregate classification (germline): Uncertain significance. Review status: criteria provided, single submitter (1 of 4 stars). 2 submissions from 2 submitters: Uncertain significance (1). 1 of the submissions does not count toward it. Last evaluated 2024-05-23.

Conditions:
46,XY sex reversal 9 (SRXY9). Also called: 46,XY SEX REVERSAL, ZFPM2-RELATED. Identifiers: Orphanet 251510, MedGen C4015129, MONDO:0014480, OMIM 616067.
Tetralogy of Fallot (TOF). Identifiers: Orphanet 3303, MedGen C0039685, MONDO:0008542, OMIM 187500, HP:0001636.

Allele frequency attached by ClinVar (database versions not stated): gnomAD 0.00003; TOPMed 0.00004; ExAC 0.00006; gnomAD exomes 0.00007.
gnomAD v4.1: 106 of 1,613,778 alleles (0.0066%); highest among the groups gnomAD compares: Admixed American, 0.018%; no homozygotes.

Submissions (2):

Labcorp Genetics (formerly Invitae), Labcorp
Classification: Uncertain significance for 46,XY sex reversal 9. Last evaluated: 2024-05-23. Review status: criteria provided, single submitter. Criteria: Invitae Variant Classification Sherloc (09022015). Collection method: clinical testing. Allele origin: germline.
Comment: This sequence change replaces lysine, which is basic and polar, with glutamic acid, which is acidic and polar, at codon 440 of the ZFPM2 protein (p.Lys440Glu). This variant is present in population databases (rs200311467, gnomAD 0.02%). This variant has not been reported in the literature in individuals affected with ZFPM2-related conditions. ClinVar contains an entry for this variant (Variation ID: 560631). An algorithm developed to predict the effect of missense changes on protein structure and function (PolyPhen-2) suggests that this variant is likely to be tolerated. In summary, the available evidence is currently insufficient to determine the role of this variant in disease. Therefore, it has been classified as a Variant of Uncertain Significance.

Clinical Molecular Genetics Laboratory, Johns Hopkins All Children's Hospital
Classification: Uncertain significance for Tetralogy of Fallot. Last evaluated: 2017-06-08. Review status: no assertion criteria provided. Collection method: clinical testing. Allele origin: germline. Affected: yes. Not counted in ClinVar's aggregate classification.